The following is an entry in ClinVar:

NM_020774.4(MIB1):c.2027G>A (p.Arg676Gln)

Gene: MIB1 (MIB E3 ubiquitin protein ligase 1; plus strand). Cytogenetic location: 18q11.2.
Variant type: single nucleotide variant.
Coding change: c.2027G>A on transcript NM_020774.4 (MANE Select); coding-DNA position 2027, G replaced by A.
Protein change: p.Arg676Gln; replaces arginine 676 with glutamine.
Molecular consequence: missense variant.
Genome position (GRCh38, 1-based): chr18:21,843,195, G>A. VCF-style: chr18-21843195-G-A. GRCh37 (hg19) VCF-style: chr18-19423156-G-A.
Other names: short protein forms R676Q.
Identifiers: ClinVar variation 3395795 (VCV003395795.2).
Genomic context (GRCh38, chr18:21,843,195, plus strand): 5'-ATGCAAACCTGGATATCCAGAATGTGAACCAACAAACTGCCCTACACCTTGCTGTTGAAC[G>A]ACAGCATACCCAGATTGTTAGGGTAAAGTATTGACATACATTTTAGCTTATAATTACATT-3'
Protein context (NP_065825.1, residues 666-686): QQTALHLAVE[Arg676Gln]QHTQIVRLLV

ClinVar aggregate classification (germline): Uncertain significance. Review status: criteria provided, multiple submitters, no conflicts (2 of 4 stars). 2 submissions from 2 submitters: Uncertain significance (2). Last evaluated 2026-01-07.

Conditions:
MIB1-related disorder. Also called: MIB1-related condition.
Inborn genetic diseases. Identifiers: MedGen C0950123, MeSH D030342.

gnomAD v4.1: 7 of 1,596,042 alleles (0.00044%); highest among the groups gnomAD compares: East Asian, 0.0023%; no homozygotes.

Submissions (2):

PreventionGenetics, part of Exact Sciences
Classification: Uncertain significance for MIB1-related condition. Last evaluated: 2026-01-07. Review status: criteria provided, single submitter. Criteria: ACMG Guidelines, 2015. Collection method: clinical testing. Allele origin: germline.
Comment: The MIB1 c.2027G>A variant is predicted to result in the amino acid substitution p.Arg676Gln. To our knowledge, this variant has not been reported in the literature. This variant is reported in 0.0059% of alleles in individuals of East Asian descent in gnomAD. At this time, the clinical significance of this variant is uncertain due to the absence of conclusive functional and genetic evidence.

Ambry Genetics
Classification: Uncertain significance for Inborn genetic diseases. Last evaluated: 2024-11-02. Review status: criteria provided, single submitter. Criteria: Ambry Variant Classification Scheme 2023. Collection method: clinical testing. Allele origin: germline.
Comment: The p.R676Q variant (also known as c.2027G>A), located in coding exon 14 of the MIB1 gene, results from a G to A substitution at nucleotide position 2027. The arginine at codon 676 is replaced by glutamine, an amino acid with highly similar properties. This amino acid position is conserved. In addition, the in silico prediction for this alteration is inconclusive. Based on the available evidence, the clinical significance of this variant remains unclear.